The following is an entry in ClinVar:

NM_000532.5(PCCB):c.581_584dup (p.Ile196fs)

Gene: PCCB (propionyl-CoA carboxylase subunit beta; plus strand). Cytogenetic location: 3q22.3.
Variant type: Microsatellite.
Coding change: c.581_584dup on transcript NM_000532.5 (MANE Select); coding-DNA positions 581 to 584, 4 bases duplicated (CTCT; older notation c.581_584dupCTCT).
Protein change: p.Ile196fs; shifts the reading frame from isoleucine 196.
Molecular consequence: frameshift variant.
Genome position (GRCh38, 1-based): chr3:136,283,874-136,283,877, CTCT duplicated; duplicating any 4 consecutive bases within chr3:136,283,873-136,283,877 gives the same sequence; the c. name uses the placement nearest the transcript's 3' end. VCF-style (leftmost placement, unchanged base first): chr3-136283872-T-TTCTC. GRCh37 (hg19) VCF-style: chr3-136002714-T-TTCTC.
Other names: c.641_644dup, p.Ile216fs (NM_001178014.2); short protein forms I196fs, I216fs.
Identifiers: ClinVar variation 2815821 (VCV002815821.3), dbSNP rs2529836083, ClinGen allele CA2739279941.

ClinVar aggregate classification (germline): Pathogenic (1 of 4 stars; one submission).

Conditions:
Propionic acidemia (PROP). Also called: GLYCINEMIA, KETOTIC; HYPERGLYCINEMIA WITH KETOACIDOSIS AND LEUKOPENIA; KETOTIC HYPERGLYCINEMIA. Identifiers: Orphanet 35, MedGen C0268579, MONDO:0011628, OMIM 606054, HP:0003571.

Submission:

Labcorp Genetics (formerly Invitae), Labcorp
Classification: Pathogenic for Propionic acidemia. Last evaluated: 2023-10-18. Review status: criteria provided, single submitter. Criteria: Invitae Variant Classification Sherloc (09022015). Collection method: clinical testing. Allele origin: germline.
Comment: This sequence change creates a premature translational stop signal (p.Ile196Serfs*35) in the PCCB gene. It is expected to result in an absent or disrupted protein product. Loss-of-function variants in PCCB are known to be pathogenic (PMID: 15464417). This variant is not present in population databases (gnomAD no frequency). This variant has not been reported in the literature in individuals affected with PCCB-related conditions. For these reasons, this variant has been classified as Pathogenic.

Literature cited by the submitters: PubMed 15464417.